The following is an entry in ClinVar:

NM_015909.4(NBAS):c.4114C>T (p.Gln1372Ter)

Gene: NBAS (NBAS subunit of NRZ tethering complex; minus strand). Cytogenetic location: 2p24.3.
Variant type: single nucleotide variant.
Coding change: c.4114C>T on transcript NM_015909.4 (MANE Select); coding-DNA position 4114, C replaced by T.
Protein change: p.Gln1372Ter; replaces glutamine 1372 with a stop codon.
Molecular consequence: nonsense. On other transcripts: non-coding transcript variant (1).
Genome position (GRCh38, 1-based): chr2:15,352,057, G>A on the plus strand (C>T on the coding strand, the complement: NBAS is on the minus strand). VCF-style: chr2-15352057-G-A. GRCh37 (hg19) VCF-style: chr2-15492181-G-A.
Other names: short protein forms Q1372*.
Identifiers: ClinVar variation 2429258 (VCV002429258.3), dbSNP rs1042786545, ClinGen allele CA345887956.

ClinVar aggregate classification (germline): Likely pathogenic (1 of 4 stars; one submission).

Conditions:
Acute infantile liver failure due to synthesis defect of mtDNA-encoded proteins. Also called: LIVER FAILURE, INFANTILE, TRANSIENT; Liver failure acute infantile; TRMU Deficiency. Identifiers: Orphanet 217371, MedGen C3278664, MONDO:0013111, OMIM 613070.

Submission:

Women's Health and Genetics/Laboratory Corporation of America, LabCorp
Classification: Likely pathogenic for Acute infantile liver failure due to synthesis defect of mtDNA-encoded proteins. Last evaluated: 2023-01-30. Review status: criteria provided, single submitter. Criteria: LabCorp Variant Classification Summary - May 2015. Collection method: clinical testing. Allele origin: germline.
Comment: Variant summary: NBAS c.4114C>T (p.Gln1372X) results in a premature termination codon, predicted to cause a truncation of the encoded protein or absence of the protein due to nonsense mediated decay, which are commonly known mechanisms for disease. Truncations downstream of this position have been reported in HGMD in association with Acute liver failure and Optic atrophy and retinal dystrophy. The variant was absent in 251050 control chromosomes. To our knowledge, no occurrence of c.4114C>T in individuals affected with Liver Failure Acute Infantile, Type 2 and no experimental evidence demonstrating its impact on protein function have been reported. No clinical diagnostic laboratories have submitted clinical-significance assessments for this variant to ClinVar after 2014. Based on the evidence outlined above, the variant was classified as likely pathogenic.